The following is an entry in ClinVar:

NM_014611.3(MDN1):c.2241G>A (p.Thr747=)

Gene: MDN1 (midasin AAA ATPase 1; minus strand). Cytogenetic location: 6q15.
Variant type: single nucleotide variant.
Coding change: c.2241G>A on transcript NM_014611.3 (MANE Select); coding-DNA position 2241, G replaced by A.
Protein change: p.Thr747=; no amino-acid change (threonine 747 retained).
Molecular consequence: synonymous variant.
Genome position (GRCh38, 1-based): chr6:89,762,434, C>T on the plus strand (G>A on the coding strand, the complement: MDN1 is on the minus strand). VCF-style: chr6-89762434-C-T. GRCh37 (hg19) VCF-style: chr6-90472153-C-T.
Identifiers: ClinVar variation 3048206 (VCV003048206.2), dbSNP rs145643215, ClinGen allele CA3925714.

ClinVar aggregate classification (germline): Likely benign (0 of 4 stars; one submission).

Conditions:
MDN1-related disorder. Also called: MDN1-related condition.

Allele frequency attached by ClinVar (database versions not stated): gnomAD exomes 0.00013; ExAC 0.00038; gnomAD 0.00116; 1000 Genomes Project 0.00120; TOPMed 0.00135; 1000 Genomes Project 30x 0.00172; ESP Exome Variant Server 0.00177.
gnomAD v4.1: 355 of 1,613,978 alleles (0.022%); highest among the groups gnomAD compares: African/African-American, 0.44%; no homozygotes.

Submission:

PreventionGenetics, part of Exact Sciences
Classification: Likely benign for MDN1-related condition. Last evaluated: 2019-11-25. Review status: no assertion criteria provided. Collection method: clinical testing. Allele origin: germline.
Comment: This variant is classified as likely benign based on ACMG/AMP sequence variant interpretation guidelines (Richards et al. 2015 PMID: 25741868, with internal and published modifications).